The following is an entry in ClinVar:

ClinVar aggregate classification (germline): Uncertain significance. Review status: criteria provided, multiple submitters, no conflicts (2 of 4 stars). 3 submissions from 3 submitters: Uncertain significance (3). Last evaluated 2025-11-13.

Conditions:
Neuroblastoma, susceptibility to, 3. Also called: ALK-Related Neuroblastic Tumor Susceptibility. Identifiers: Orphanet 635, MedGen C2751681, MONDO:0013083, OMIM 613014.
Hereditary cancer-predisposing syndrome. Also called: Neoplastic Syndromes, Hereditary; Hereditary neoplastic syndrome; Tumor predisposition; Hereditary Cancer Syndrome. Identifiers: Orphanet 140162, MedGen C0027672, MeSH D009386, MONDO:0015356.

Allele frequency attached by ClinVar (database versions not stated): gnomAD 0.00001.
gnomAD v4.1: 5 of 1,580,162 alleles (0.00032%); highest among the groups gnomAD compares: Admixed American, 0.0037%; no homozygotes.

Submissions (3):

Labcorp Genetics (formerly Invitae), Labcorp
Classification: Uncertain significance for Neuroblastoma, susceptibility to, 3. Last evaluated: 2025-11-13. Review status: criteria provided, single submitter. Criteria: Invitae Variant Classification Sherloc (09022015). Collection method: clinical testing. Allele origin: germline.
Comment: This sequence change replaces valine, which is neutral and non-polar, with methionine, which is neutral and non-polar, at codon 126 of the ALK protein (p.Val126Met). This variant is not present in population databases (gnomAD no frequency). This variant has not been reported in the literature in individuals affected with ALK-related conditions. ClinVar contains an entry for this variant (Variation ID: 838381). An algorithm developed to predict the effect of missense changes on protein structure and function (PolyPhen-2) suggests that this variant is likely to be disruptive. In summary, the available evidence is currently insufficient to determine the role of this variant in disease. Therefore, it has been classified as a Variant of Uncertain Significance.

Women's Health and Genetics/Laboratory Corporation of America, LabCorp
Classification: Uncertain significance. Last evaluated: 2025-05-09. Review status: criteria provided, single submitter. Criteria: LabCorp Variant Classification Summary - May 2015. Collection method: clinical testing. Allele origin: germline.

Ambry Genetics
Classification: Uncertain significance for Hereditary cancer-predisposing syndrome. Last evaluated: 2025-01-02. Review status: criteria provided, single submitter. Criteria: Ambry Variant Classification Scheme 2023. Collection method: clinical testing. Allele origin: germline.
Comment: The p.V126M variant (also known as c.376G>A), located in coding exon 1 of the ALK gene, results from a G to A substitution at nucleotide position 376. The valine at codon 126 is replaced by methionine, an amino acid with highly similar properties. This amino acid position is highly conserved in available vertebrate species. In addition, the in silico prediction for this alteration is inconclusive. Since supporting evidence is limited at this time, the clinical significance of this alteration remains unclear.

NM_004304.5(ALK):c.376G>A (p.Val126Met)

Gene: ALK (ALK receptor tyrosine kinase; minus strand). Cytogenetic location: 2p23.1.
Variant type: single nucleotide variant.
Coding change: c.376G>A on transcript NM_004304.5 (MANE Select); coding-DNA position 376, G replaced by A.
Protein change: p.Val126Met; replaces valine 126 with methionine.
Molecular consequence: missense variant.
Genome position (GRCh38, 1-based): chr2:29,920,284, C>T on the plus strand (G>A on the coding strand, the complement: ALK is on the minus strand). VCF-style: chr2-29920284-C-T. GRCh37 (hg19) VCF-style: chr2-30143150-C-T.
Other names: short protein forms V126M.
Identifiers: ClinVar variation 838381 (VCV000838381.9), dbSNP rs753812162, ClinGen allele CA346590163.